The following is an entry in ClinVar:

NM_007129.5(ZIC2):c.1244A>G (p.His415Arg)

Gene: ZIC2 (Zic family zinc finger 2; plus strand). Cytogenetic location: 13q32.3.
Variant type: single nucleotide variant.
Coding change: c.1244A>G on transcript NM_007129.5 (MANE Select); coding-DNA position 1244, A replaced by G.
Protein change: p.His415Arg; replaces histidine 415 with arginine.
Molecular consequence: missense variant.
Genome position (GRCh38, 1-based): chr13:99,985,327, A>G. VCF-style: chr13-99985327-A-G. GRCh37 (hg19) VCF-style: chr13-100637581-A-G.
Other names: short protein forms H415R.
Identifiers: ClinVar variation 4974943 (VCV004974943.1).

ClinVar aggregate classification (germline): Likely pathogenic (1 of 4 stars; one submission).

Conditions:
Fetal anomalies with a likely genetic cause.

Submission:

Genetics Laboratory, Great Ormond Street Hospital NHS Foundation Trust, North Thames Genomic Laboratory Hub
Classification: Likely pathogenic for Fetal anomalies with a likely genetic cause. Last evaluated: 2026-07-22. Review status: criteria provided, single submitter. Criteria: ACGS Best Practice Guidelines for Variant Classification in Rare Disease 2024 v1.2. Collection method: clinical testing. Allele origin: germline. Affected: yes.
Comment: PS4_supporting, PM2_moderate, PP3_supporting, PM5_supporting, PP2_supporting, PS2_supporting